The following is an entry in ClinVar:

ClinVar aggregate classification (germline): Uncertain significance (1 of 4 stars; one submission).

Conditions:
Neurofibromatosis, type 1 (NF1). Also called: Neurofibromatosis, type I; Peripheral type neurofibromatosis; VON RECKLINGHAUSEN DISEASE; NEUROFIBROMATOSIS, TYPE I, SOMATIC. Identifiers: Orphanet 636, MedGen C0027831, MONDO:0018975, OMIM 162200. Disease mechanism: loss of function.

Submission:

Labcorp Genetics (formerly Invitae), Labcorp
Classification: Uncertain significance for Neurofibromatosis, type 1. Last evaluated: 2023-05-01. Review status: criteria provided, single submitter. Criteria: Invitae Variant Classification Sherloc (09022015). Collection method: clinical testing. Allele origin: germline.
Comment: In summary, the available evidence is currently insufficient to determine the role of this variant in disease. Therefore, it has been classified as a Variant of Uncertain Significance. Experimental studies have shown that this missense change affects NF1 function (PMID: 25049390). Advanced modeling of protein sequence and biophysical properties (such as structural, functional, and spatial information, amino acid conservation, physicochemical variation, residue mobility, and thermodynamic stability) performed at Invitae indicates that this missense variant is expected to disrupt NF1 protein function. This missense change has been observed in individual(s) with clinical features of NF1-related conditions (PMID: 25049390). This variant is not present in population databases (gnomAD no frequency). This sequence change replaces leucine, which is neutral and non-polar, with arginine, which is basic and polar, at codon 1361 of the NF1 protein (p.Leu1361Arg).

Literature cited by the submitters: PubMed 25049390.

NM_001042492.3(NF1):c.4082T>G (p.Leu1361Arg)

Gene: NF1 (neurofibromin 1; plus strand). Cytogenetic location: 17q11.2.
Variant type: single nucleotide variant.
Coding change: c.4082T>G on transcript NM_001042492.3 (MANE Select); coding-DNA position 4082, T replaced by G.
Protein change: p.Leu1361Arg; replaces leucine 1361 with arginine.
Molecular consequence: missense variant.
Genome position (GRCh38, 1-based): chr17:31,249,091, T>G. VCF-style: chr17-31249091-T-G. GRCh37 (hg19) VCF-style: chr17-29576109-T-G.
Other names: c.4082T>G, p.Leu1361Arg (NM_000267.4); short protein forms L1361R.
Identifiers: ClinVar variation 2736549 (VCV002736549.3), dbSNP rs2151451598, ClinGen allele CA398995049.